The following is an entry in ClinVar:

ClinVar aggregate classification (germline): Uncertain significance. Review status: criteria provided, multiple submitters, no conflicts (2 of 4 stars). 2 submissions from 2 submitters: Uncertain significance (2). Last evaluated 2025-07-10.

Allele frequency attached by ClinVar (database versions not stated): gnomAD 0.00001; gnomAD exomes 0.00003; TOPMed 0.00003; ExAC 0.00004.
gnomAD v4.1: 16 of 1,613,852 alleles (0.00099%); highest among the groups gnomAD compares: Admixed American, 0.027%; no homozygotes.

Submissions (2):

Labcorp Genetics (formerly Invitae), Labcorp
Classification: Uncertain significance. Last evaluated: 2025-07-10. Review status: criteria provided, single submitter. Criteria: Invitae Variant Classification Sherloc (09022015). Collection method: clinical testing. Allele origin: germline.
Comment: This sequence change replaces isoleucine, which is neutral and non-polar, with valine, which is neutral and non-polar, at codon 277 of the CLIC5 protein (p.Ile277Val). This variant is present in population databases (rs751875333, gnomAD 0.04%). This variant has not been reported in the literature in individuals affected with CLIC5-related conditions. ClinVar contains an entry for this variant (Variation ID: 2955018). An algorithm developed to predict the effect of missense changes on protein structure and function (PolyPhen-2) suggests that this variant is likely to be disruptive. In summary, the available evidence is currently insufficient to determine the role of this variant in disease. Therefore, it has been classified as a Variant of Uncertain Significance.

Blueprint Genetics
Classification: Uncertain significance. Last evaluated: 2019-04-16. Review status: criteria provided, single submitter. Criteria: ACMG Guidelines, 2015. Collection method: clinical testing. Allele origin: germline.

NM_016929.5(CLIC5):c.352A>G (p.Ile118Val)

Gene: CLIC5 (CLIC family member 5; minus strand). Cytogenetic location: 6p21.1.
Variant type: single nucleotide variant.
Coding change: c.352A>G on transcript NM_016929.5 (MANE Select); coding-DNA position 352, A replaced by G.
Protein change: p.Ile118Val; replaces isoleucine 118 with valine.
Molecular consequence: missense variant.
Genome position (GRCh38, 1-based): chr6:45,941,601, T>C on the plus strand (A>G on the coding strand, the complement: CLIC5 is on the minus strand). VCF-style: chr6-45941601-T-C. GRCh37 (hg19) VCF-style: chr6-45909338-T-C.
Other names: c.829A>G, p.Ile277Val (NM_001114086.2, NM_001370650.1); c.352A>G, p.Ile118Val (NM_001256023.2); c.235A>G, p.Ile79Val (NM_001370649.1); short protein forms I118V, I277V, I79V.
Identifiers: ClinVar variation 2955018 (VCV002955018.4), dbSNP rs751875333, ClinGen allele CA3836812.
Genomic context (GRCh38, chr6:45,941,601, plus strand): 5'-ACTCACCAGCATTGTTCTGCTGCTTGGTATTTTTGATGTAGGCAGAAAACTTGGAAAAGA[T>C]GTCGATGCCCGCTGTGTTGGATTCCCGGTGTTTTGCAGCCAGTTTGGGGTACCTGGAATG-3'
Protein context (NP_058625.2, residues 108-128): HRESNTAGID[Ile118Val]FSKFSAYIKN